The following is an entry in ClinVar:

ClinVar aggregate classification (germline): Pathogenic (1 of 4 stars; one submission).

Submission:

Department of Medical Genetics, Ordu University Medical School Training and Research Hospital
Classification: Pathogenic. Last evaluated: 2026-07-30. Review status: criteria provided, single submitter. Criteria: ACMG/ClinGen CNV Guidelines, 2019. Collection method: clinical testing. Allele origin: de novo. Affected: yes. Observed: 1 variant allele.
Comment: Approximately 7.9 Mb interstitial 1q32.3q41 loss detected by prenatal chromosomal microarray and visible on G-banded analysis as del(1)(q41q41); Scored using the ACMG/ClinGen technical standard for copy-number variant interpretation; classified as pathogenic on the basis of size, gene content and de novo occurrence in an affected fetus.

GRCh38/hg38 1q32.3-41(chr1:213858626-221776195)x1

Genes: C1orf115 (chromosome 1 open reading frame 115; plus strand), LINC01710 (long independently transcribed non-coding RNA 1710; minus strand), LINC02779 (long independently transcribed non-coding RNA 2779; minus strand), LINC02817 (long independently transcribed non-coding RNA 2817; minus strand), CENPF (centromere protein F; plus strand) and 148 more. Cytogenetic location: 1q32.3-41.
Variant type: copy number loss.
Change: copy number 1 (one copy instead of two) of chr1:213,858,626-221,776,195 (7.92 Mb, GRCh38 coordinates, 1-based), cytogenetic band 1q32.3-41.
Identifiers: ClinVar variation 4880503 (VCV004880503.1).